The following is an entry in ClinVar:

NM_001375808.2(LPIN2):c.*557G>A

Gene: LPIN2 (lipin 2; minus strand). Cytogenetic location: 18p11.31.
Variant type: single nucleotide variant.
Coding change: c.*557G>A on transcript NM_001375808.2 (MANE Select); 557 bases downstream of the stop codon, G replaced by A.
Molecular consequence: 3 prime UTR variant.
Genome position (GRCh38, 1-based): chr18:2,919,736, C>T on the plus strand (G>A on the coding strand, the complement: LPIN2 is on the minus strand). VCF-style: chr18-2919736-C-T. GRCh37 (hg19) VCF-style: chr18-2919734-C-T.
Other names: c.*557G>A (NM_001375809.1, NM_014646.2).
Identifiers: ClinVar variation 326616 (VCV000326616.6), dbSNP rs112795993, ClinGen allele CA10641260.

ClinVar aggregate classification (germline): Benign. Review status: criteria provided, multiple submitters, no conflicts (2 of 4 stars). 2 submissions from 2 submitters: Benign (2). Last evaluated 2018-01-12.

Conditions:
Majeed syndrome (MJDS). Also called: CHRONIC RECURRENT MULTIFOCAL OSTEOMYELITIS 1, WITH CONGENITAL DYSERYTHROPOIETIC ANEMIA, WITH OR WITHOUT NEUTROPHILIC DERMATOSIS; LPIN2-Related Majeed Syndrome. Identifiers: Orphanet 77297, MedGen C1864997, MONDO:0012316, OMIM 609628.

Allele frequency attached by ClinVar (database versions not stated): 1000 Genomes Project 0.02077; 1000 Genomes Project 30x 0.02139; gnomAD exomes 0.02729; TOPMed 0.03213; gnomAD 0.03237 and 0.03331.
gnomAD v4.1: 5,688 of 177,944 alleles (3.2%); highest among the groups gnomAD compares: Non-Finnish European, 4.7%; 130 homozygotes.

Submissions (2):

Illumina Laboratory Services, Illumina
Classification: Benign for Majeed syndrome. Last evaluated: 2018-01-12. Review status: criteria provided, single submitter. Criteria: ICSL Variant Classification Criteria 13 December 2019. Collection method: clinical testing. Allele origin: germline.
Comment: This variant was observed in the ICSL laboratory as part of a predisposition screen in an ostensibly healthy population. It had not been previously curated by ICSL or reported in the Human Gene Mutation Database (HGMD: prior to June 1st, 2018), and was therefore a candidate for classification through an automated scoring system. Utilizing variant allele frequency, disease prevalence and penetrance estimates, and inheritance mode, an automated score was calculated to assess if this variant is too frequent to cause the disease. Based on the score and internal cut-off values, a variant classified as benign is not then subjected to further curation. The score for this variant resulted in a classification of benign for this disease.

Breakthrough Genomics
Classification: Benign. Review status: criteria provided, single submitter. Criteria: ACMG Guidelines, 2015. Collection method: not provided. Allele origin: germline. Inheritance: Unknown mechanism. Affected: yes.